The following is an entry in ClinVar:

ClinVar aggregate classification (germline): Benign. Review status: criteria provided, single submitter (1 of 4 stars). 2 submissions from 2 submitters: Benign (1). 1 of the submissions does not count toward it. Last evaluated 2025-11-01.

Conditions:
RNF125-related disorder. Also called: RNF125-related condition.
Tenorio syndrome (TNORS). Also called: OVERGROWTH, MACROCEPHALY, AND INTELLECTUAL DISABILITY SYNDROME. Identifiers: MedGen C4015710, MONDO:0014553, OMIM 616260.

Allele frequency attached by ClinVar (database versions not stated): gnomAD exomes 0.00005 and 0.00010; ExAC 0.00013; 1000 Genomes Project 0.00020; 1000 Genomes Project 30x 0.00031; ESP Exome Variant Server 0.00038; gnomAD 0.00050 and 0.00054; TOPMed 0.00055.
gnomAD v4.1: 142 of 1,613,802 alleles (0.0088%); highest among the groups gnomAD compares: African/African-American, 0.18%; no homozygotes.

Submissions (2):

Labcorp Genetics (formerly Invitae), Labcorp
Classification: Benign for Tenorio syndrome. Last evaluated: 2025-11-01. Review status: criteria provided, single submitter. Criteria: Invitae Variant Classification Sherloc (09022015). Collection method: clinical testing. Allele origin: germline.

PreventionGenetics, part of Exact Sciences
Classification: Likely benign for RNF125-related condition. Last evaluated: 2019-03-20. Review status: no assertion criteria provided. Collection method: clinical testing. Allele origin: germline. Not counted in ClinVar's aggregate classification.
Comment: This variant is classified as likely benign based on ACMG/AMP sequence variant interpretation guidelines (Richards et al. 2015 PMID: 25741868, with internal and published modifications).

NM_017831.4(RNF125):c.90G>A (p.Leu30=)

Genes: RNF125 (ring finger protein 125; plus strand), LOC121852963 (Sharpr-MPRA regulatory region 13938; plus strand). Cytogenetic location: 18q12.1.
Variant type: single nucleotide variant.
Coding change: c.90G>A on transcript NM_017831.4 (MANE Select); coding-DNA position 90, G replaced by A.
Protein change: p.Leu30=; no amino-acid change (leucine 30 retained).
Molecular consequence: synonymous variant.
Genome position (GRCh38, 1-based): chr18:32,018,953, G>A. VCF-style: chr18-32018953-G-A. GRCh37 (hg19) VCF-style: chr18-29598916-G-A.
Identifiers: ClinVar variation 726819 (VCV000726819.11), dbSNP rs201846866, ClinGen allele CA8930378.